The following is an entry in ClinVar:

ClinVar aggregate classification (germline): Uncertain significance (1 of 4 stars; one submission).

Conditions:
Cortical dysplasia-focal epilepsy syndrome (PTHSL1). Also called: Pitt-Hopkins-like syndrome 1. Identifiers: Orphanet 163681, Orphanet 221150, MedGen C2750246, MONDO:0012400, OMIM 610042.

Allele frequency attached by ClinVar (database versions not stated): TOPMed 0.00002; ESP Exome Variant Server 0.00008.
gnomAD v4.1: 14 of 1,613,950 alleles (0.00087%); highest among the groups gnomAD compares: Admixed American, 0.0017%; no homozygotes.

Submission:

Labcorp Genetics (formerly Invitae), Labcorp
Classification: Uncertain significance for Cortical dysplasia-focal epilepsy syndrome. Last evaluated: 2022-09-07. Review status: criteria provided, single submitter. Criteria: Invitae Variant Classification Sherloc (09022015). Collection method: clinical testing. Allele origin: germline.
Comment: This sequence change replaces glutamic acid, which is acidic and polar, with glutamine, which is neutral and polar, at codon 683 of the CNTNAP2 protein (p.Glu683Gln). This variant is present in population databases (rs372580822, gnomAD 0.02%). This variant has not been reported in the literature in individuals affected with CNTNAP2-related conditions. ClinVar contains an entry for this variant (Variation ID: 845663). Algorithms developed to predict the effect of missense changes on protein structure and function are either unavailable or do not agree on the potential impact of this missense change (SIFT: "Deleterious"; PolyPhen-2: "Possibly Damaging"; Align-GVGD: "Class C0"). In summary, the available evidence is currently insufficient to determine the role of this variant in disease. Therefore, it has been classified as a Variant of Uncertain Significance.

NM_014141.6(CNTNAP2):c.2047G>C (p.Glu683Gln)

Gene: CNTNAP2 (contactin associated protein 2; plus strand). Cytogenetic location: 7q35.
Variant type: single nucleotide variant.
Coding change: c.2047G>C on transcript NM_014141.6 (MANE Select); coding-DNA position 2047, G replaced by C.
Protein change: p.Glu683Gln; replaces glutamic acid 683 with glutamine.
Molecular consequence: missense variant.
Genome position (GRCh38, 1-based): chr7:147,639,255, G>C. VCF-style: chr7-147639255-G-C. GRCh37 (hg19) VCF-style: chr7-147336347-G-C.
Other names: short protein forms E683Q.
Identifiers: ClinVar variation 845663 (VCV000845663.7), dbSNP rs372580822, ClinGen allele CA4546297.